The following is an entry in ClinVar:

NM_015355.4(SUZ12):c.1117A>G (p.Ile373Val)

Gene: SUZ12 (SUZ12 polycomb repressive complex 2 subunit; plus strand). Cytogenetic location: 17q11.2.
Variant type: single nucleotide variant.
Coding change: c.1117A>G on transcript NM_015355.4 (MANE Select); coding-DNA position 1117, A replaced by G.
Protein change: p.Ile373Val; replaces isoleucine 373 with valine.
Molecular consequence: missense variant.
Genome position (GRCh38, 1-based): chr17:31,988,413, A>G. VCF-style: chr17-31988413-A-G. GRCh37 (hg19) VCF-style: chr17-30315432-A-G.
Other names: c.1048A>G, p.Ile350Val (NM_001321207.2); short protein forms I350V, I373V.
Identifiers: ClinVar variation 4885968 (VCV004885968.2).
Genomic context (GRCh38, chr17:31,988,413, plus strand): 5'-CCTACGTTGCAGTTCACTCTTCGTTGGACAGGAGAGACCAATGATAAATCTACGGCTCCT[A>G]TTGCCAAACCTCTTGCCACTAGAAATTCAGAGAGTCTCCATCAGGAAAACAAGCCTGGTT-3'
Protein context (NP_056170.2, residues 363-383): GETNDKSTAP[Ile373Val]AKPLATRNSE

ClinVar aggregate classification (germline): Uncertain significance (1 of 4 stars; one submission).

gnomAD v4.1: 7 of 1,613,984 alleles (0.00043%); highest among the groups gnomAD compares: African/African-American, 0.0013%; no homozygotes.

Submission:

Dasa
Classification: Uncertain significance. Last evaluated: 2025-11-05. Review status: criteria provided, single submitter. Criteria: DASA Assertion Criteria. Collection method: clinical testing. Allele origin: germline.
Comment: NM_015355.4(SUZ12):c.1117A>G (p.Ile373Val) is a missense variant that results in the substitution of isoleucine with valine. This variant is rare in population databases. Computational prediction algorithms are consistent with a benign effect. The currently available literature and clinical evidence are not sufficient to establish a definitive association between this variant and the reported condition. Therefore, this variant is classified as a variant of uncertain significance.